The following is an entry in ClinVar:

NM_000238.4(KCNH2):c.215C>A (p.Pro72Gln)

Gene: KCNH2 (potassium voltage-gated channel subfamily H member 2; minus strand). Cytogenetic location: 7q36.1.
Variant type: single nucleotide variant.
Coding change: c.215C>A on transcript NM_000238.4 (MANE Select); coding-DNA position 215, C replaced by A.
Protein change: p.Pro72Gln; replaces proline 72 with glutamine.
Molecular consequence: missense variant.
Genome position (GRCh38, 1-based): chr7:150,974,803, G>T on the plus strand (C>A on the coding strand, the complement: KCNH2 is on the minus strand). VCF-style: chr7-150974803-G-T. GRCh37 (hg19) VCF-style: chr7-150671891-G-T.
Other names: c.215C>A (LRG_288t1); c.38C>A, p.Pro13Gln (NM_001406755.1); c.215C>A, p.Pro72Gln (NM_172056.3); short protein forms P72Q, P13Q.
Identifiers: ClinVar variation 67368 (VCV000067368.24), dbSNP rs199473421, ClinGen allele CA006293.

ClinVar aggregate classification (germline): Pathogenic/Likely pathogenic. Review status: criteria provided, multiple submitters, no conflicts (2 of 4 stars). 9 submissions from 9 submitters: Pathogenic (5); Likely pathogenic (3). 1 of the submissions does not count toward it. Last evaluated 2025-11-21.

Conditions:
KCNH2-related disorder. Also called: KCNH2-related disorders; KCNH2-related condition.
Cardiovascular phenotype. Identifiers: MedGen CN230736.
Familial long QT syndrome (RWS). Also called: Congenital long QT syndrome; Romano-Ward syndrome; VENTRICULAR FIBRILLATION WITH PROLONGED QT INTERVAL. Identifiers: Orphanet 768, MedGen C1141890, MONDO:0019171.
Long QT syndrome (LQTS). Identifiers: MedGen C0023976, MeSH D008133, MONDO:0002442. Disease mechanism: loss of function. Inheritance: Various modes of inheritance.
Long QT syndrome 2 (LQT2). Identifiers: Orphanet 101016, Orphanet 768, MedGen C3150943, MONDO:0013367, OMIM 613688.

Submissions (9):

Labcorp Genetics (formerly Invitae), Labcorp
Classification: Pathogenic for Long QT syndrome. Last evaluated: 2025-11-21. Review status: criteria provided, single submitter. Criteria: Invitae Variant Classification Sherloc (09022015). Collection method: clinical testing. Allele origin: germline.
Comment: This sequence change replaces proline, which is neutral and non-polar, with glutamine, which is neutral and polar, at codon 72 of the KCNH2 protein (p.Pro72Gln). This variant is not present in population databases (gnomAD no frequency). This missense change has been observed in individuals with long QT syndrome (PMID: 10973849, 19716085, 21440677; internal data). ClinVar contains an entry for this variant (Variation ID: 67368). An algorithm developed to predict the effect of missense changes on protein structure and function (PolyPhen-2) suggests that this variant is likely to be disruptive. Experimental studies have shown that this missense change affects KCNH2 function (PMID: 25417810). This variant disrupts the p.Pro72 amino acid residue in KCNH2. Other variant(s) that disrupt this residue have been observed in individuals with KCNH2-related conditions (PMID: 20960620, 26496715), which suggests that this may be a clinically significant amino acid residue. For these reasons, this variant has been classified as Pathogenic.

PreventionGenetics, part of Exact Sciences
Classification: Pathogenic for KCNH2-related condition. Last evaluated: 2025-09-15. Review status: criteria provided, single submitter. Criteria: ACMG Guidelines, 2015. Collection method: clinical testing. Allele origin: germline.
Comment: The KCNH2 c.215C>A variant is predicted to result in the amino acid substitution p.Pro72Gln. This variant has been reported in multiple individuals with long QT syndrome (LQT) type 2 (Splawski et al. 2000. PubMed ID: 10973849; Table S1, Migdalovich et al. 2011. PubMed ID: 21440677; Table S1, Lieve et al. 2013. PubMed ID: 23631430; Table S2, Itoh et al. 2016. PubMed ID: 26669661). In vitro studies suggest that this variant results in reduced protein expression at the cell surface, possibly indicative of a protein trafficking defect and/or reduced stability (Anderson et al. 2014. PubMed ID: 25417810; Anderson et al. 2020. PubMed ID: 32475984; Ng et al. 2022. PubMed ID: 35688148). This variant has not been reported in a large population database (gnomAD), indicating this variant is rare. Alternate missense variants of the same amino acid (p.Pro72Leu, p.Pro72Arg, p.Pro72Thr, p.Pro72Gly) have also been reported in individuals with LQT syndrome (Table S1, Migdalovich et al. 2011. PubMed ID: 21440677; Crotti et al. 2012. PubMed ID: 23158531; Table S2, Gao et al. 2015. PubMed ID: 26496715; Sarquella-Brugada et al. 2022. PubMed ID: 34546463). Taken together, the p.Pro72Gln variant is interpreted as pathogenic.

ARUP Laboratories, Molecular Genetics and Genomics, ARUP Laboratories
Classification: Likely pathogenic. Last evaluated: 2025-05-20. Review status: criteria provided, single submitter. Criteria: ARUP Molecular Germline Variant Investigation Process 2024. Collection method: clinical testing. Allele origin: germline.
Comment: The KCNH2 c.215C>A; p.Pro72Gln variant (rs199473421, ClinVar Variation ID 67368) is reported in the literature in several individuals affected with autosomal dominant long QT syndrome (Kapplinger 2009, Migdalovich 2011, Kozek 2021, Splawski 2000). This variant is absent from the Genome Aggregation Database (v2.1.1), indicating it is not a common polymorphism. Additionally, other variants at this codon (c.215C>G, p.Pro72Arg; c.215C>T, p.Pro72Leu; c.214C>T, p.Pro72Ser) have been reported in individuals with autosomal dominant long QT syndrome and are considered disease causing (Kapplinger 2009, Migdalovich 2011, Kozek 2021, Van Lint 2019). Functional analyses of the c.215C>A; p.Pro72Gln protein show altered protein trafficking (Anderson 2020, Anderson 2014, Ng 2021). Computational analyses predict that this variant is deleterious (REVEL: 0.789). Based on available information, this variant is considered to be likely pathogenic. References: Anderson et al. A rapid solubility assay of protein domain misfolding for pathogenicity assessment of rare DNA sequence variants. Genet Med. 2020 Oct;22(10):1642-1652. PMID: 32475984 Anderson et al. Large-scale mutational analysis of Kv11.1 reveals molecular insights into type 2 long QT syndrome. Nat Commun. 2014 Nov 24;5:5535. PMID: 25417810 Kapplinger et al. Spectrum and prevalence of mutations from the first 2,500 consecutive unrelated patients referred for the FAMILION long QT syndrome genetic test. Heart Rhythm. 2009 Sep;6(9):1297-303. PMID: 19716085. Kozek et al. Estimating the Posttest Probability of Long QT Syndrome Diagnosis for Rare KCNH2 Variants. Circ Genom Precis Med. 2021 Aug;14(4):e003289. PMID: 34309407 Migdalovich et al. Mutation and gender-specific risk in type 2 long QT syndrome: implications for risk stratification for life-threatening cardiac events in patients with long QT syndrome. Heart Rhythm. 2011 Oct;8(10):1537-43. PMID: 21440677 Ng et al. A massively parallel assay accurately discriminates between functionally normal and abnormal variants in a hotspot domain of KCNH2. Am J Hum Genet. 2022 Jul 7;109(7):1208-1216. PMID: 35688148 Splawski et al. Spectrum of mutations in long-QT syndrome genes. KVLQT1, HERG, SCN5A, KCNE1, and KCNE2. Circulation. 2000 Sep 5;102(10):1178-85. PMID: 10973849. Van Lint et al. Large next-generation sequencing gene panels in genetic heart disease: yield of pathogenic variants and variants of unknown significance. Neth Heart J. 2019 Jun;27(6):304-309. PMID: 30847666

Ambry Genetics
Classification: Pathogenic for Cardiovascular phenotype. Last evaluated: 2025-03-31. Review status: criteria provided, single submitter. Criteria: Ambry Variant Classification Scheme 2023. Collection method: clinical testing. Allele origin: germline.
Comment: The p.P72Q pathogenic mutation (also known as c.215C>A), located in coding exon 2 of the KCNH2 gene, results from a C to A substitution at nucleotide position 215. The proline at codon 72 is replaced by glutamine, an amino acid with similar properties. This variant was reported in individual(s) with features consistent with long QT syndrome and segregated with disease in at least one family (Moss AJ et al. Circulation. 2002;105:794-9; Kapplinger JD et al. Heart Rhythm. 2009;6:1297-303; Itoh H et al. Eur. J. Hum. Genet. 2016;24:1160-6; external communication; Ambry internal data). One study reported this alteration to result in abnormal protein trafficking (Anderson CL et al. Nat Commun. 2014;5:5535). Other variant(s) at the same codon, p.P72L (c.215C>T), have been identified in individual(s) with features consistent with long QT syndrome (Kapplinger JD et al. Heart Rhythm. 2009;6:1297-303). This amino acid position is highly conserved in available vertebrate species. In addition, this alteration is predicted to be deleterious by in silico analysis. This variant is considered to be rare based on population cohorts in the Genome Aggregation Database (gnomAD). Based on the supporting evidence, this alteration is interpreted as a disease-causing mutation.

Mayo Clinic Laboratories, Mayo Clinic
Classification: Pathogenic. Last evaluated: 2021-12-15. Review status: criteria provided, single submitter. Criteria: ACMG Guidelines, 2015. Collection method: clinical testing. Allele origin: germline.
Comment: PP2, PP3, PM2, PM5, PS4

Human Genome Sequencing Center Clinical Lab, Baylor College of Medicine
Classification: Likely pathogenic for Long QT syndrome 2. Last evaluated: 2019-12-13. Review status: criteria provided, single submitter. Criteria: ACMG Guidelines, 2015. Collection method: clinical testing. Allele origin: germline. Affected: yes.
Comment: The KCNH2 c.215C>A gene variant results in an amino acid change from a proline to a glutamine at position 72 in the encoded protein (p.Pro72Gln). This variant is absent from general population databases (gnomAD). This variant has been previously reported in individuals with long QT syndrome (PMID: 11854117, 20486126, 21440677, 10973849, 19716085). Experimental studies suggest this variant results in a deleterious effect on protein trafficking (PMID: 25417810). In addition, other variants at the same codon (p.Pro72Arg and p.Pro72Leu) have been previously reported in individuals with long QT syndrome (PMID: 19716085, 25417810, 23158531). Therefore, this c.215C>A variant in the KCNH2 gene is classified as likely pathogenic.

Women's Health and Genetics/Laboratory Corporation of America, LabCorp
Classification: Pathogenic for Cardiovascular phenotype. Last evaluated: 2016-02-22. Review status: criteria provided, single submitter. Criteria: LabCorp Variant Classification Summary - May 2015. Collection method: clinical testing. Allele origin: germline.
Comment: Variant summary: KCNH2 c.215C>A affects a conserved nucleotide, resulting in amino acid change from Pro to Gln. 3/4 in-silico tools predict this variant to be damaging (SNPs&GO not captured due to low reliability index), and functional studies indicate P72Q to have deficient trafficking (Anderson_2014). This variant was not found in 70930 control chromosomes, but has been reported in multiple LQT2 pts. In addition, multiple clinical laboratories classified this variant as pathogenic. Taken together, this variant was classified as a disease variant/pathogenic.

Stanford Center for Inherited Cardiovascular Disease, Stanford University
Classification: Likely pathogenic. Last evaluated: 2015-11-12. Review status: criteria provided, single submitter. Criteria: ACMG Guidelines, 2015. Collection method: provider interpretation. Allele origin: germline.

Cardiovascular Biomedical Research Unit, Royal Brompton & Harefield NHS Foundation Trust
No classification provided. Condition: Familial long QT syndrome. Review status: no classification provided. Collection method: literature only. Allele origin: germline. Not counted in ClinVar's aggregate classification.
Comment: This variant has been reported as associated with Long QT syndrome in the following publications (PMID:10973849;PMID:11854117;PMID:19716085). This is a literature report, and does not necessarily reflect the clinical interpretation of the Imperial College / Royal Brompton Cardiovascular Genetics laboratory.

Literature cited by the submitters: PubMed 10973849 (cited by 5 submitters); PubMed 19716085 (cited by 4 submitters); PubMed 21440677 (cited by 3 submitters); PubMed 25417810 (cited by 4 submitters); PubMed 20960620 (cited by Labcorp Genetics (formerly Invitae), Labcorp); PubMed 26496715 (cited by Labcorp Genetics (formerly Invitae), Labcorp); PubMed 11854117 (cited by 4 submitters); PubMed 21185501 (cited by Ambry Genetics); PubMed 23631430 (cited by Ambry Genetics); PubMed 26669661 (cited by Ambry Genetics and Mayo Clinic Laboratories, Mayo Clinic); PubMed 32475984 (cited by Mayo Clinic Laboratories, Mayo Clinic); PubMed 22581653 (cited by Cardiovascular Biomedical Research Unit, Royal Brompton & Harefield NHS Foundation Trust).